The following is an entry in ClinVar:

ClinVar aggregate classification (germline): Pathogenic/Likely pathogenic. Review status: criteria provided, multiple submitters, no conflicts (2 of 4 stars). 2 submissions from 2 submitters: Pathogenic (1); Likely pathogenic (1). Last evaluated 2026-01-21.

Submissions (2):

Dasa
Classification: Likely pathogenic. Last evaluated: 2026-01-21. Review status: criteria provided, single submitter. Criteria: DASA Assertion Criteria. Collection method: clinical testing. Allele origin: germline.
Comment: NM_015404.4(WHRN):c.74dup (p.Gly26Argfs*153) is a frameshift variant in WHRN predicted to alter the reading frame and introduce a premature termination codon and is predicted to result in an absent or altered protein product. Loss of function is an established disease mechanism for WHRN-associated disorders. Also, this variant is rare in population databases. Based on the currently available evidence, this variant is classified as likely pathogenic.

Labcorp Genetics (formerly Invitae), Labcorp
Classification: Pathogenic. Last evaluated: 2023-10-13. Review status: criteria provided, single submitter. Criteria: Invitae Variant Classification Sherloc (09022015). Collection method: clinical testing. Allele origin: germline.
Comment: This sequence change creates a premature translational stop signal (p.Gly26Argfs*153) in the WHRN gene. It is expected to result in an absent or disrupted protein product. Loss-of-function variants in WHRN are known to be pathogenic (PMID: 12833159, 15841483, 22147658). This variant is not present in population databases (gnomAD no frequency). This variant has not been reported in the literature in individuals affected with WHRN-related conditions. ClinVar contains an entry for this variant (Variation ID: 1442336). For these reasons, this variant has been classified as Pathogenic.

Literature cited by the submitters: PubMed 12833159 (cited by Labcorp Genetics (formerly Invitae), Labcorp); PubMed 15841483 (cited by Labcorp Genetics (formerly Invitae), Labcorp); PubMed 22147658 (cited by Labcorp Genetics (formerly Invitae), Labcorp).

NM_015404.4(WHRN):c.74dup (p.Gly26fs)

Gene: WHRN (whirlin; minus strand). Cytogenetic location: 9q32.
Variant type: Duplication.
Coding change: c.74dup on transcript NM_015404.4 (MANE Select); coding-DNA position 74, one base duplicated (G; older notation c.74dupG).
Protein change: p.Gly26fs; shifts the reading frame from glycine 26.
Molecular consequence: frameshift variant.
Genome position (GRCh38, 1-based): chr9:114,504,728, C duplicated on the plus strand (G on the coding strand, the reverse complement: WHRN is on the minus strand); the first of 3 consecutive C bases (chr9:114,504,728-114,504,730); duplicating any one gives the same sequence. VCF-style (leftmost placement, unchanged base first): chr9-114504727-G-GC. GRCh37 (hg19) VCF-style: chr9-117267007-G-GC.
Other names: c.74dup, p.Gly26fs (NM_001173425.2); short protein forms G26fs.
Identifiers: ClinVar variation 1442336 (VCV001442336.8), dbSNP rs1844258324, ClinGen allele CA1873872084.